The following is an entry in ClinVar:

NM_000264.5(PTCH1):c.3398C>T (p.Thr1133Ile)

Gene: PTCH1 (patched 1; minus strand). Cytogenetic location: 9q22.32.
Variant type: single nucleotide variant.
Coding change: c.3398C>T on transcript NM_000264.5 (MANE Select); coding-DNA position 3398, C replaced by T.
Protein change: p.Thr1133Ile; replaces threonine 1133 with isoleucine.
Molecular consequence: missense variant. On other transcripts: non-coding transcript variant (1).
Genome position (GRCh38, 1-based): chr9:95,453,529, G>A on the plus strand (C>T on the coding strand, the complement: PTCH1 is on the minus strand). VCF-style: chr9-95453529-G-A. GRCh37 (hg19) VCF-style: chr9-98215811-G-A.
Other names: c.3200C>T, p.Thr1067Ile (NM_001083602.3); c.3395C>T, p.Thr1132Ile (NM_001083603.3); c.2945C>T, p.Thr982Ile (NM_001083604.3, NM_001083605.3, NM_001083606.3 and 1 more transcripts); c.3242C>T, p.Thr1081Ile (NM_001354918.2); short protein forms T1067I, T1081I, T1132I, T982I, T1133I.
Identifiers: ClinVar variation 3720885 (VCV003720885.2).

ClinVar aggregate classification (germline): Pathogenic (1 of 4 stars; one submission).

Conditions:
Gorlin syndrome. Also called: Basal cell nevus syndrome; Nevoid Basal Cell Carcinoma Syndrome. Identifiers: Orphanet 377, MedGen C0004779, MONDO:0007187.

Submission:

Labcorp Genetics (formerly Invitae), Labcorp
Classification: Pathogenic for Gorlin syndrome. Last evaluated: 2024-02-02. Review status: criteria provided, single submitter. Criteria: Invitae Variant Classification Sherloc (09022015). Collection method: clinical testing. Allele origin: germline.
Comment: This sequence change replaces threonine, which is neutral and polar, with isoleucine, which is neutral and non-polar, at codon 1133 of the PTCH1 protein (p.Thr1133Ile). This variant is not present in population databases (gnomAD no frequency). This missense change has been observed in individuals with clinical features of Gorlin syndrome and/or clinical features of PTCH1-related conditions (PMID: 18436435; Invitae). It has also been observed to segregate with disease in related individuals. This variant is also known as p.Thr1067Ile. Advanced modeling of protein sequence and biophysical properties (such as structural, functional, and spatial information, amino acid conservation, physicochemical variation, residue mobility, and thermodynamic stability) has been performed at Invitae for this missense variant, however the output from this modeling did not meet the statistical confidence thresholds required to predict the impact of this variant on PTCH1 protein function. This variant disrupts the p.Thr1133 amino acid residue in PTCH1. Other variant(s) that disrupt this residue have been observed in individuals with PTCH1-related conditions (Invitae), which suggests that this may be a clinically significant amino acid residue. For these reasons, this variant has been classified as Pathogenic.

Literature cited by the submitters: PubMed 18436435.